The following is an entry in ClinVar:

NM_001040108.2(MLH3):c.3609G>C (p.Leu1203Phe)

Gene: MLH3 (mutL homolog 3; minus strand). Cytogenetic location: 14q24.3.
Variant type: single nucleotide variant.
Coding change: c.3609G>C on transcript NM_001040108.2 (MANE Select); coding-DNA position 3609, G replaced by C.
Protein change: p.Leu1203Phe; replaces leucine 1203 with phenylalanine.
Molecular consequence: missense variant.
Genome position (GRCh38, 1-based): chr14:75,038,374, C>G on the plus strand (G>C on the coding strand, the complement: MLH3 is on the minus strand). VCF-style: chr14-75038374-C-G. GRCh37 (hg19) VCF-style: chr14-75505077-C-G.
Other names: c.3609G>C, p.Leu1203Phe (NM_014381.3); short protein forms L1203F.
Identifiers: ClinVar variation 2448653 (VCV002448653.2), dbSNP rs2503179027, ClinGen allele CA390427037.

ClinVar aggregate classification (germline): Uncertain significance (1 of 4 stars; one submission).

Submission:

Ambry Genetics
Classification: Uncertain significance. Last evaluated: 2023-01-18. Review status: criteria provided, single submitter. Criteria: Ambry Variant Classification Scheme 2023. Collection method: clinical testing. Allele origin: germline.
Comment: The p.L1203F variant (also known as c.3609G>C), located in coding exon 5 of the MLH3 gene, results from a G to C substitution at nucleotide position 3609. The leucine at codon 1203 is replaced by phenylalanine, an amino acid with highly similar properties. This amino acid position is conserved. In addition, the in silico prediction for this alteration is inconclusive. Since supporting evidence is limited at this time, the clinical significance of this alteration remains unclear.